The following is an entry in ClinVar:

ClinVar aggregate classification (germline): Pathogenic. Review status: criteria provided, multiple submitters, no conflicts (2 of 4 stars). 2 submissions from 2 submitters: Pathogenic (2). Last evaluated 2024-04-30.

Conditions:
Hereditary cancer-predisposing syndrome. Also called: Tumor predisposition; Hereditary neoplastic syndrome; Neoplastic Syndromes, Hereditary; Hereditary Cancer Syndrome. Identifiers: Orphanet 140162, MedGen C0027672, MeSH D009386, MONDO:0015356.
Hereditary breast ovarian cancer syndrome. Also called: Breast and ovarian cancer; BRCA1- and BRCA2-Associated Hereditary Breast and Ovarian Cancer; Hereditary breast and ovarian cancer; Hereditary breast and ovarian cancer syndrome (HBOC); Hereditary breast and/or ovarian cancer syndrome; Hereditary breast and ovarian cancer syndrome. Identifiers: Orphanet 145, MedGen C0677776, MeSH D061325, MONDO:0003582. Disease mechanism: loss of function.

Submissions (2):

Labcorp Genetics (formerly Invitae), Labcorp
Classification: Pathogenic for Hereditary breast ovarian cancer syndrome. Last evaluated: 2024-04-30. Review status: criteria provided, single submitter. Criteria: Invitae Variant Classification Sherloc (09022015). Collection method: clinical testing. Allele origin: germline.
Comment: This sequence change creates a premature translational stop signal (p.Ser782Lysfs*8) in the BRCA1 gene. It is expected to result in an absent or disrupted protein product. Loss-of-function variants in BRCA1 are known to be pathogenic (PMID: 20104584). This variant is not present in population databases (gnomAD no frequency). This variant has not been reported in the literature in individuals affected with BRCA1-related conditions. ClinVar contains an entry for this variant (Variation ID: 856990). For these reasons, this variant has been classified as Pathogenic.

Ambry Genetics
Classification: Pathogenic for Hereditary cancer-predisposing syndrome. Last evaluated: 2015-11-24. Review status: criteria provided, single submitter. Criteria: Ambry Variant Classification Scheme 2023. Collection method: clinical testing. Allele origin: germline.
Comment: The c.2344dupA pathogenic mutation, located in coding exon 9 of the BRCA1 gene, results from a duplication of A at nucleotide position 2344, causing a translational frameshift with a predicted alternate stop codon. This alteration is expected to result in loss of function by premature protein truncation or nonsense-mediated mRNA decay. As such, this alteration is interpreted as a disease-causing mutation.

Literature cited by the submitters: PubMed 20104584 (cited by Labcorp Genetics (formerly Invitae), Labcorp).

NM_007294.4(BRCA1):c.2344dup (p.Ser782fs)

Gene: BRCA1 (BRCA1 DNA repair associated; minus strand). Cytogenetic location: 17q21.31.
Variant type: Duplication.
Coding change: c.2344dup on transcript NM_007294.4 (MANE Select); coding-DNA position 2344, one base duplicated (A; older notation c.2344dupA).
Protein change: p.Ser782fs; shifts the reading frame from serine 782.
Molecular consequence: frameshift variant. On other transcripts: intron variant (137).
Genome position (GRCh38, 1-based): chr17:43,093,187, T duplicated on the plus strand (A on the coding strand, the reverse complement: BRCA1 is on the minus strand); the first of 3 consecutive T bases (chr17:43,093,187-43,093,189); duplicating any one gives the same sequence. VCF-style (leftmost placement, unchanged base first): chr17-43093186-C-CT. GRCh37 (hg19) VCF-style: chr17-41245203-C-CT.
Other names: c.787+1557dup (NM_001407981.1, NM_007298.4, NM_001407978.1 and 17 more transcripts); c.643+1557dup (NM_001408462.1, NM_001408470.1, NM_001408464.1 and 3 more transcripts); c.709+1557dup (NM_001408414.1, NM_001408411.1, NM_001408415.1 and 2 more transcripts); c.784+1557dup (NM_001407992.1, NM_001408400.1, NM_001408392.1 and 13 more transcripts); c.664+1557dup (NM_001408440.1, NM_001408428.1, NM_001408441.1 and 12 more transcripts); c.671-2155dup (NM_001408418.1, NM_001408423.1, NM_001408420.1 and 2 more transcripts); c.577+1557dup (NM_001408514.1, NM_001408485.1, NM_001408483.1 and 9 more transcripts); c.661+1557dup (NM_001408447.1, NM_001408433.1, NM_001408446.1 and 6 more transcripts); and 43 more; short protein forms S782fs, S735fs, S655fs, S693fs, S755fs, S781fs, S670fs, S694fs.
Identifiers: ClinVar variation 856990 (VCV000856990.19), dbSNP rs2053777729, ClinGen allele CA916080206.